The following is an entry in ClinVar:

ClinVar aggregate classification (germline): Likely benign (0 of 4 stars; one submission).

Conditions:
GNAS-related disorder. Identifiers: MedGen CN380105.

gnomAD v4.1: 4 of 1,605,320 alleles (0.00025%); highest among the groups gnomAD compares: Non-Finnish European, 0.00034%; no homozygotes.

Submission:

PreventionGenetics, part of Exact Sciences
Classification: Likely benign for GNAS-related condition. Last evaluated: 2021-03-15. Review status: no assertion criteria provided. Collection method: clinical testing. Allele origin: germline.
Comment: This variant is classified as likely benign based on ACMG/AMP sequence variant interpretation guidelines (Richards et al. 2015 PMID: 25741868, with internal and published modifications).

NM_016592.5(GNAS):c.633G>A (p.Lys211=)

Genes: GNAS (GNAS complex locus; plus strand), GNAS-AS1 (GNAS antisense RNA 1; minus strand). Cytogenetic location: 20q13.32.
Variant type: single nucleotide variant.
Coding change: c.633G>A on transcript NM_016592.5 (MANE Plus Clinical); coding-DNA position 633, G replaced by A.
Protein change: p.Lys211=; no amino-acid change (lysine 211 retained).
Molecular consequence: synonymous variant. On other transcripts: 5 prime UTR variant (1).
Genome position (GRCh38, 1-based): chr20:58,840,739, G>A. VCF-style: chr20-58840739-G-A. GRCh37 (hg19) VCF-style: chr20-57415794-G-A.
Other names: c.-105G>A (NM_001410912.1).
Identifiers: ClinVar variation 3352433 (VCV003352433.1).